The following is an entry in ClinVar:

NM_004656.4(BAP1):c.621G>A (p.Arg207=)

Gene: BAP1 (BRCA1 associated deubiquitinase 1; minus strand). Cytogenetic location: 3p21.1.
Variant type: single nucleotide variant.
Coding change: c.621G>A on transcript NM_004656.4 (MANE Select); coding-DNA position 621, G replaced by A.
Protein change: p.Arg207=; no amino-acid change (arginine 207 retained).
Molecular consequence: synonymous variant.
Genome position (GRCh38, 1-based): chr3:52,406,867, C>T on the plus strand (G>A on the coding strand, the complement: BAP1 is on the minus strand). VCF-style: chr3-52406867-C-T. GRCh37 (hg19) VCF-style: chr3-52440883-C-T.
Identifiers: ClinVar variation 1578109 (VCV001578109.11), dbSNP rs1216375877, ClinGen allele CA433776750.

ClinVar aggregate classification (germline): Benign/Likely benign. Review status: criteria provided, multiple submitters, no conflicts (2 of 4 stars). 3 submissions from 3 submitters: Benign (1); Likely benign (2). Last evaluated 2024-10-16.

Conditions:
BAP1-related tumor predisposition syndrome (TPDS1). Also called: Tumor susceptibility linked to germline BAP1 mutations; BAP1 tumor predisposition syndrome; COMMON Syndrome; TUMOR PREDISPOSITION SYNDROME 1. Identifiers: Orphanet 289539, MedGen C3280492, MONDO:0013692, OMIM 614327.
Hereditary cancer-predisposing syndrome. Also called: Tumor predisposition; Neoplastic Syndromes, Hereditary; Hereditary Cancer Syndrome; Hereditary neoplastic syndrome. Identifiers: Orphanet 140162, MedGen C0027672, MeSH D009386, MONDO:0015356.

Submissions (3):

Labcorp Genetics (formerly Invitae), Labcorp
Classification: Likely benign for BAP1-related tumor predisposition syndrome. Last evaluated: 2024-10-16. Review status: criteria provided, single submitter. Criteria: Invitae Variant Classification Sherloc (09022015). Collection method: clinical testing. Allele origin: germline.

Myriad Genetics, Inc.
Classification: Benign for BAP1-related tumor predisposition syndrome. Last evaluated: 2024-07-12. Review status: criteria provided, single submitter. Criteria: Myriad Autosomal Dominant, Autosomal Recessive and X-Linked Classification Criteria (2023). Collection method: clinical testing. Allele origin: unknown.
Comment: This variant is considered benign. This variant is a silent/synonymous amino acid change and it is not expected to impact splicing.

Ambry Genetics
Classification: Likely benign for Hereditary cancer-predisposing syndrome. Last evaluated: 2020-11-18. Review status: criteria provided, single submitter. Criteria: Ambry Variant Classification Scheme 2023. Collection method: clinical testing. Allele origin: germline.